The following is an entry in ClinVar:

ClinVar aggregate classification (germline): Uncertain significance. Review status: criteria provided, multiple submitters, no conflicts (2 of 4 stars). 3 submissions from 3 submitters: Uncertain significance (3). Last evaluated 2025-09-30.

Conditions:
Inborn genetic diseases. Identifiers: MedGen C0950123, MeSH D030342.

Allele frequency attached by ClinVar (database versions not stated): gnomAD 0.00011; ExAC 0.00006.
gnomAD v4.1: 263 of 1,611,126 alleles (0.016%); highest among the groups gnomAD compares: Non-Finnish European, 0.021%; no homozygotes.

Submissions (3):

Women's Health and Genetics/Laboratory Corporation of America, LabCorp
Classification: Uncertain significance. Last evaluated: 2025-09-30. Review status: criteria provided, single submitter. Criteria: LabCorp Variant Classification Summary - May 2015. Collection method: clinical testing. Allele origin: germline.
Comment: Variant summary: B4GALT7 c.218G>A (p.Arg73His) results in a non-conservative amino acid change in the encoded protein sequence. Algorithms developed to predict the effect of missense changes on protein structure and function are either unavailable or do not agree on the potential impact of this missense change. The variant allele was found at a frequency of 5e-05 in 240152 control chromosomes. This frequency is not significantly higher than estimated for disease-causing variants in B4GALT7, allowing no conclusion about variant significance. To our knowledge, no occurrence of c.218G>A in individuals affected with B4GALT7-related conditions and no experimental evidence demonstrating its impact on protein function have been reported. ClinVar contains an entry for this variant (Variation ID: 3132721). Based on the evidence outlined above, the variant was classified as uncertain significance.

Mayo Clinic Laboratories, Mayo Clinic
Classification: Uncertain significance. Last evaluated: 2025-04-21. Review status: criteria provided, single submitter. Criteria: ACMG Guidelines, 2015. Collection method: clinical testing. Allele origin: germline. Observed: 1 variant allele.
Comment: BP4_moderate

Ambry Genetics
Classification: Uncertain significance for Inborn genetic diseases. Last evaluated: 2023-12-14. Review status: criteria provided, single submitter. Criteria: Ambry Variant Classification Scheme 2023. Collection method: clinical testing. Allele origin: germline.

NM_007255.3(B4GALT7):c.218G>A (p.Arg73His)

Gene: B4GALT7 (beta-1,4-galactosyltransferase 7; plus strand). Cytogenetic location: 5q35.3.
Variant type: single nucleotide variant.
Coding change: c.218G>A on transcript NM_007255.3 (MANE Select); coding-DNA position 218, G replaced by A.
Protein change: p.Arg73His; replaces arginine 73 with histidine.
Molecular consequence: missense variant.
Genome position (GRCh38, 1-based): chr5:177,604,346, G>A. VCF-style: chr5-177604346-G-A. GRCh37 (hg19) VCF-style: chr5-177031347-G-A.
Other names: p.Arg73His; short protein forms R73H.
Identifiers: ClinVar variation 3132721 (VCV003132721.3), dbSNP rs777486041, ClinGen allele CA3586408.